The following is an entry in ClinVar:

NM_002350.4(LYN):c.803A>G (p.Asn268Ser)

Gene: LYN (LYN proto-oncogene, Src family tyrosine kinase; plus strand). Cytogenetic location: 8q12.1.
Variant type: single nucleotide variant.
Coding change: c.803A>G on transcript NM_002350.4 (MANE Select); coding-DNA position 803, A replaced by G.
Protein change: p.Asn268Ser; replaces asparagine 268 with serine.
Molecular consequence: missense variant.
Genome position (GRCh38, 1-based): chr8:55,966,727, A>G. VCF-style: chr8-55966727-A-G. GRCh37 (hg19) VCF-style: chr8-56879286-A-G.
Other names: c.740A>G, p.Asn247Ser (NM_001111097.3); short protein forms N268S, N247S.
Identifiers: ClinVar variation 4767141 (VCV004767141.1).
Genomic context (GRCh38, chr8:55,966,727, plus strand): 5'-TAGATTTTCTGTTTTATAAAGCATGCCCGCCTTCTTTTTTCTTCCTAGGTTACTATAACA[A>G]CAGTACCAAGGTGGCTGTGAAAACCCTGAAGCCAGGAACTATGTCTGTGCAAGCCTTCCT-3'
Protein context (NP_002341.1, residues 258-278): FGEVWMGYYN[Asn268Ser]STKVAVKTLK

ClinVar aggregate classification (germline): Uncertain significance (1 of 4 stars; one submission).

gnomAD v4.1: 3 of 1,613,112 alleles (0.00019%); highest among the groups gnomAD compares: Admixed American, 0.0033%; no homozygotes.

Submission:

Labcorp Genetics (formerly Invitae), Labcorp
Classification: Uncertain significance. Last evaluated: 2025-07-03. Review status: criteria provided, single submitter. Criteria: Invitae Variant Classification Sherloc (09022015). Collection method: clinical testing. Allele origin: germline.
Comment: This sequence change replaces asparagine, which is neutral and polar, with serine, which is neutral and polar, at codon 268 of the LYN protein (p.Asn268Ser). This variant is present in population databases (no rsID available, gnomAD 0.003%). This variant has not been reported in the literature in individuals affected with LYN-related conditions. An algorithm developed to predict the effect of missense changes on protein structure and function (PolyPhen-2) suggests that this variant is likely to be tolerated. In summary, the available evidence is currently insufficient to determine the role of this variant in disease. Therefore, it has been classified as a Variant of Uncertain Significance.